The following is an entry in ClinVar:

ClinVar aggregate classification (germline): Conflicting classifications of pathogenicity. Review status: criteria provided, conflicting classifications (1 of 4 stars). 7 submissions from 7 submitters: Uncertain significance (5); Likely benign (1). 1 of the submissions does not count toward it. Last evaluated 2026-02-05.

Conditions:
LAMA2-related disorder. Also called: LAMA2-related disorders; LAMA2-related condition.
LAMA2-related muscular dystrophy (LAMA2-RD). Also called: Laminin alpha 2-related dystrophy. Identifiers: MedGen C5679788, MONDO:0100228.
Merosin deficient congenital muscular dystrophy (MDC1A). Also called: Congenital merosin-deficient muscular dystrophy 1A; Congenital Muscular Dystrophy Type 1A (MDC1A). Identifiers: Orphanet 258, MedGen C1263858, MONDO:0011925, OMIM 607855.
Muscular dystrophy, limb-girdle, autosomal recessive 23. Identifiers: Orphanet 565837, MedGen C4748327, MONDO:0029136, OMIM 618138.

Allele frequency attached by ClinVar (database versions not stated): gnomAD 0.00005 and 0.00006; ExAC 0.00007; gnomAD exomes 0.00009 and 0.00013.
gnomAD v4.1: 197 of 1,613,896 alleles (0.012%); highest among the groups gnomAD compares: Non-Finnish European, 0.016%; no homozygotes.

Submissions (7):

GeneDx
Classification: Uncertain significance. Last evaluated: 2026-02-05. Review status: criteria provided, single submitter. Criteria: GeneDx Variant Classification Process June 2021. Collection method: clinical testing. Allele origin: germline. Affected: yes.
Comment: Not observed at significant frequency in large population cohorts (gnomAD); In silico analysis suggests that this missense variant does not alter protein structure/function; Has not been previously published as pathogenic or benign to our knowledge

Labcorp Genetics (formerly Invitae), Labcorp
Classification: Likely benign for LAMA2-related muscular dystrophy. Last evaluated: 2026-01-22. Review status: criteria provided, single submitter. Criteria: Invitae Variant Classification Sherloc (09022015). Collection method: clinical testing. Allele origin: germline.

Women's Health and Genetics/Laboratory Corporation of America, LabCorp
Classification: Uncertain significance. Last evaluated: 2026-01-14. Review status: criteria provided, single submitter. Criteria: LabCorp Variant Classification Summary - May 2015. Collection method: clinical testing. Allele origin: germline.
Comment: Variant summary: LAMA2 c.7978C>A (p.Leu2660Ile) results in a conservative amino acid change in the encoded protein sequence. Algorithms developed to predict the effect of missense changes on protein structure and function are either unavailable or do not agree on the potential impact of this missense change. The variant allele was found at a frequency of 8.8e-05 in 251310 control chromosomes. This frequency is not significantly higher than estimated for disease-causing variants in LAMA2, allowing no conclusion about variant significance. To our knowledge, no occurrence of c.7978C>A in individuals affected with LAMA2-related conditions and no experimental evidence demonstrating its impact on protein function have been reported. ClinVar contains an entry for this variant (Variation ID: 1684517). Based on the evidence outlined above, the variant was classified as uncertain significance.

Revvity Omics, Revvity
Classification: Uncertain significance. Last evaluated: 2022-05-12. Review status: criteria provided, single submitter. Criteria: ACMG Guidelines, 2015. Collection method: clinical testing. Allele origin: germline.

HudsonAlpha Institute for Biotechnology
Classification: Uncertain significance for Merosin deficient congenital muscular dystrophy. Last evaluated: 2022-04-20. Review status: criteria provided, single submitter. Criteria: ACMG Guidelines, 2015. Collection method: research. Allele origin: unknown. Observed: 1 variant allele. Study: HudsonAlpha-AGHI-WGS.
Comment: ACMG codes: PM2

Fulgent Genetics
Classification: Uncertain significance for Merosin deficient congenital muscular dystrophy; Muscular dystrophy, limb-girdle, autosomal recessive 23. Last evaluated: 2021-08-12. Review status: criteria provided, single submitter. Criteria: ACMG Guidelines, 2015. Collection method: clinical testing. Allele origin: unknown.

PreventionGenetics, part of Exact Sciences
Classification: Uncertain significance for LAMA2-related condition. Last evaluated: 2023-12-07. Review status: no assertion criteria provided. Collection method: clinical testing. Allele origin: germline. Not counted in ClinVar's aggregate classification.
Comment: The LAMA2 c.7978C>A variant is predicted to result in the amino acid substitution p.Leu2660Ile. To our knowledge, this variant has not been reported in the literature. This variant is reported in 0.015% of alleles in individuals of European (Non-Finnish) descent in gnomAD. At this time, the clinical significance of this variant is uncertain due to the absence of conclusive functional and genetic evidence.

NM_000426.4(LAMA2):c.7978C>A (p.Leu2660Ile)

Gene: LAMA2 (laminin subunit alpha 2; plus strand). Cytogenetic location: 6q22.33.
Variant type: single nucleotide variant.
Coding change: c.7978C>A on transcript NM_000426.4 (MANE Select); coding-DNA position 7978, C replaced by A.
Protein change: p.Leu2660Ile; replaces leucine 2660 with isoleucine.
Molecular consequence: missense variant.
Genome position (GRCh38, 1-based): chr6:129,491,980, C>A. VCF-style: chr6-129491980-C-A. GRCh37 (hg19) VCF-style: chr6-129813125-C-A.
Other names: c.7978C>A (NM_000426.3); c.7966C>A, p.Leu2656Ile (NM_001079823.2); short protein forms L2656I, L2660I.
Identifiers: ClinVar variation 1684517 (VCV001684517.14), dbSNP rs201587923, ClinGen allele CA3994712.
Genomic context (GRCh38, chr6:129,491,980, plus strand): 5'-GATGAAAACAGAAGATACATGCAAAACCTGACAGTTGAACAGCCTATCGAAGTTAAAAAG[C>A]TTTTCGTTGGGGGTGCTCCACCTGAATTTCAACCTTCCCCACTCAGAAATATTCCTCCTT-3'
Protein context (NP_000417.3, residues 2650-2670): TVEQPIEVKK[Leu2660Ile]FVGGAPPEFQ